The following is an entry in ClinVar:

NM_000350.3(ABCA4):c.331del (p.Glu111fs)

Gene: ABCA4 (ATP binding cassette subfamily A member 4; minus strand). Cytogenetic location: 1p22.1.
Variant type: Deletion.
Coding change: c.331del on transcript NM_000350.3 (MANE Select); coding-DNA position 331, one base deleted (G; older notation c.331delG).
Protein change: p.Glu111fs; shifts the reading frame from glutamic acid 111.
Molecular consequence: frameshift variant.
Genome position (GRCh38, 1-based): chr1:94,108,688, C deleted on the plus strand (G on the coding strand, the reverse complement: ABCA4 is on the minus strand). VCF-style (leftmost placement, unchanged base first): chr1-94108687-TC-T. GRCh37 (hg19) VCF-style: chr1-94574243-TC-T.
Other names: c.331delG, p.Glu111Asnfs (NM_001425324.1); short protein forms E111fs.
Identifiers: ClinVar variation 1436534 (VCV001436534.6), dbSNP rs2101156021, ClinGen allele CA2573132722.

ClinVar aggregate classification (germline): Pathogenic (1 of 4 stars; one submission).

Submission:

Labcorp Genetics (formerly Invitae), Labcorp
Classification: Pathogenic. Last evaluated: 2021-12-07. Review status: criteria provided, single submitter. Criteria: Invitae Variant Classification Sherloc (09022015). Collection method: clinical testing. Allele origin: germline.
Comment: This sequence change creates a premature translational stop signal (p.Glu111Asnfs*4) in the ABCA4 gene. It is expected to result in an absent or disrupted protein product. Loss-of-function variants in ABCA4 are known to be pathogenic (PMID: 10958761, 24938718, 25312043, 26780318). This variant is not present in population databases (gnomAD no frequency). This variant has not been reported in the literature in individuals affected with ABCA4-related conditions. For these reasons, this variant has been classified as Pathogenic.

Literature cited by the submitters: PubMed 10958761; PubMed 24938718; PubMed 25312043; PubMed 26780318.